The following is an entry in ClinVar:

ClinVar aggregate classification (germline): Uncertain significance (1 of 4 stars; one submission).

Conditions:
Emery-Dreifuss muscular dystrophy 4, autosomal dominant (EDMD4). Also called: EMERY-DREIFUSS MUSCULAR DYSTROPHY 4 WITH VARIABLE FEATURES. Identifiers: Orphanet 261, MedGen C2751807, MONDO:0013071, OMIM 612998.
Autosomal recessive ataxia, Beauce type. Also called: Spinocerebellar ataxia, autosomal recessive 8; ATAXIA, RECESSIVE, OF BEAUCE; SYNE1 Deficiency; SYNE1-Related Autosomal Recessive Cerebellar Ataxia. Identifiers: Orphanet 88644, MedGen C1853116, MONDO:0012549, OMIM 610743.

Submission:

Labcorp Genetics (formerly Invitae), Labcorp
Classification: Uncertain significance for Emery-Dreifuss muscular dystrophy 4, autosomal dominant; Autosomal recessive ataxia, Beauce type. Last evaluated: 2025-07-30. Review status: criteria provided, single submitter. Criteria: Invitae Variant Classification Sherloc (09022015). Collection method: clinical testing. Allele origin: germline.
Comment: This sequence change replaces threonine, which is neutral and polar, with alanine, which is neutral and non-polar, at codon 4385 of the SYNE1 protein (p.Thr4385Ala). This variant is not present in population databases (gnomAD no frequency). This variant has not been reported in the literature in individuals affected with SYNE1-related conditions. An algorithm developed to predict the effect of missense changes on protein structure and function outputs the following: PolyPhen-2: "Benign". The alanine amino acid residue is found in multiple mammalian species, which suggests that this missense change does not adversely affect protein function. In summary, the available evidence is currently insufficient to determine the role of this variant in disease. Therefore, it has been classified as a Variant of Uncertain Significance.

NM_182961.4(SYNE1):c.13366A>G (p.Thr4456Ala)

Gene: SYNE1 (spectrin repeat containing nuclear envelope protein 1; minus strand). Cytogenetic location: 6q25.2.
Variant type: single nucleotide variant.
Coding change: c.13366A>G on transcript NM_182961.4 (MANE Select); coding-DNA position 13366, A replaced by G.
Protein change: p.Thr4456Ala; replaces threonine 4456 with alanine.
Molecular consequence: missense variant.
Genome position (GRCh38, 1-based): chr6:152,331,319, T>C on the plus strand (A>G on the coding strand, the complement: SYNE1 is on the minus strand). VCF-style: chr6-152331319-T-C. GRCh37 (hg19) VCF-style: chr6-152652454-T-C.
Other names: c.13153A>G, p.Thr4385Ala (NM_033071.5); short protein forms T4385A, T4456A.
Identifiers: ClinVar variation 4792407 (VCV004792407.1).
Genomic context (GRCh38, chr6:152,331,319, plus strand): 5'-TCTTTCGCTCATGTTGCTGAATTTGGCTGGTGGCCTGGAACACTGCCATGAGAAACTGGG[T>C]TTTCTCGGACAAGGCTTTGTTTAAGTACTTTCTTCGCTGGCCCACTAAGTCACTGAGACA-3'
Protein context (NP_892006.3, residues 4446-4466): KYLNKALSEK[Thr4456Ala]QFLMAVFQAT